The following is an entry in ClinVar:

ClinVar aggregate classification (germline): Uncertain significance (1 of 4 stars; one submission).

Conditions:
DiGeorge syndrome. Also called: THIRD AND FOURTH PHARYNGEAL POUCH SYNDROME; Catch22. Identifiers: Orphanet 567, MedGen C0012236, MONDO:0008564, OMIM 188400.

Allele frequency attached by ClinVar (database versions not stated): gnomAD 0.00002; TOPMed 0.00002.
gnomAD v4.1: 16 of 1,569,432 alleles (0.001%); highest among the groups gnomAD compares: Non-Finnish European, 0.0014%; no homozygotes.

Submission:

Labcorp Genetics (formerly Invitae), Labcorp
Classification: Uncertain significance for DiGeorge syndrome. Last evaluated: 2025-09-08. Review status: criteria provided, single submitter. Criteria: Invitae Variant Classification Sherloc (09022015). Collection method: clinical testing. Allele origin: germline.
Comment: This sequence change replaces glutamine, which is neutral and polar, with histidine, which is basic and polar, at codon 125 of the TBX1 protein (p.Gln125His). This variant is present in population databases (no rsID available, gnomAD 0.007%). This variant has not been reported in the literature in individuals affected with TBX1-related conditions. ClinVar contains an entry for this variant (Variation ID: 2043129). Invitae Evidence Modeling of protein sequence and biophysical properties (such as structural, functional, and spatial information, amino acid conservation, physicochemical variation, residue mobility, and thermodynamic stability) indicates that this missense variant is not expected to disrupt TBX1 protein function with a negative predictive value of 80%. In summary, the available evidence is currently insufficient to determine the role of this variant in disease. Therefore, it has been classified as a Variant of Uncertain Significance.

NM_001379200.1(TBX1):c.402G>C (p.Gln134His)

Gene: TBX1 (T-box transcription factor 1; plus strand). Cytogenetic location: 22q11.21.
Variant type: single nucleotide variant.
Coding change: c.402G>C on transcript NM_001379200.1 (MANE Select); coding-DNA position 402, G replaced by C.
Protein change: p.Gln134His; replaces glutamine 134 with histidine.
Molecular consequence: missense variant.
Genome position (GRCh38, 1-based): chr22:19,761,245, G>C. VCF-style: chr22-19761245-G-C. GRCh37 (hg19) VCF-style: chr22-19748768-G-C.
Other names: c.375G>C, p.Gln125His (NM_005992.1, NM_080646.2, NM_080647.1); short protein forms Q125H, Q134H.
Identifiers: ClinVar variation 2043129 (VCV002043129.4), dbSNP rs1407342000, ClinGen allele CA410681792.
Genomic context (GRCh38, chr22:19,761,245, plus strand): 5'-GAAGGTGGCCGGTGTGAGCGTGCAGCTAGAGATGAAGGCGCTGTGGGACGAGTTCAACCA[G>C]CTGGGCACCGAGATGATCGTCACCAAGGCCGGCAGGTCAGGGCGCCCCTCCCCACGCCGC-3'
Protein context (NP_001366129.1, residues 124-144): EMKALWDEFN[Gln134His]LGTEMIVTKA